The following is an entry in ClinVar:

ClinVar aggregate classification (germline): Likely benign. Review status: criteria provided, multiple submitters, no conflicts (2 of 4 stars). 3 submissions from 3 submitters: Likely benign (3). Last evaluated 2024-08-29.

Conditions:
Cardiovascular phenotype. Identifiers: MedGen CN230736.
Aortic valve disease 2 (AOVD2). Identifiers: MedGen C3542024, MONDO:0013902, OMIM 614823.

Allele frequency attached by ClinVar (database versions not stated): ESP Exome Variant Server 0.00008.
gnomAD v4.1: 104 of 1,613,204 alleles (0.0064%); highest among the groups gnomAD compares: Non-Finnish European, 0.0083%; no homozygotes.

Submissions (3):

Labcorp Genetics (formerly Invitae), Labcorp
Classification: Likely benign for Aortic valve disease 2. Last evaluated: 2024-08-29. Review status: criteria provided, single submitter. Criteria: Invitae Variant Classification Sherloc (09022015). Collection method: clinical testing. Allele origin: germline.

CeGaT Center for Human Genetics Tuebingen
Classification: Likely benign. Last evaluated: 2022-07-01. Review status: criteria provided, single submitter. Criteria: CeGaT Center For Human Genetics Tuebingen Variant Classification Criteria Version 2. Collection method: clinical testing. Allele origin: germline. Affected: yes. Observed: 1 variant allele.
Comment: TBX5: BP4, BP7

Ambry Genetics
Classification: Likely benign for Cardiovascular phenotype. Last evaluated: 2018-12-05. Review status: criteria provided, single submitter. Criteria: Ambry Variant Classification Scheme 2023. Collection method: clinical testing. Allele origin: germline.

NM_181486.4(TBX5):c.432C>A (p.Thr144=)

Gene: TBX5 (T-box transcription factor 5; minus strand). Cytogenetic location: 12q24.21.
Variant type: single nucleotide variant.
Coding change: c.432C>A on transcript NM_181486.4 (MANE Select); coding-DNA position 432, C replaced by A.
Protein change: p.Thr144=; no amino-acid change (threonine 144 retained).
Molecular consequence: synonymous variant.
Genome position (GRCh38, 1-based): chr12:114,398,651, G>T on the plus strand (C>A on the coding strand, the complement: TBX5 is on the minus strand). VCF-style: chr12-114398651-G-T. GRCh37 (hg19) VCF-style: chr12-114836456-G-T.
Other names: c.432C>A, p.Thr144= (NM_000192.3); c.282C>A, p.Thr94= (NM_080717.4).
Identifiers: ClinVar variation 1739760 (VCV001739760.31), dbSNP rs146038442, ClinGen allele CA6809613.